The following is an entry in ClinVar:

ClinVar aggregate classification (germline): Benign. Review status: criteria provided, multiple submitters, no conflicts (2 of 4 stars). 6 submissions from 5 submitters: Benign (5). 1 of the submissions does not count toward it. Last evaluated 2026-02-04.

Conditions:
Alpha-N-acetylgalactosaminidase deficiency type 2. Also called: ALPHA-N-ACETYLGALACTOSAMINIDASE DEFICIENCY, TYPE II; NAGA DEFICIENCY, TYPE II; SCHINDLER DISEASE, TYPE II. Identifiers: Orphanet 3137, Orphanet 79280, MedGen C1836522, MONDO:0012222, OMIM 609242.
Alpha-N-acetylgalactosaminidase deficiency type 1. Also called: SCHINDLER DISEASE, TYPE I; ALPHA-N-ACETYLGALACTOSAMINIDASE DEFICIENCY, TYPE I; NAGA DEFICIENCY, TYPE I; NEUROAXONAL DYSTROPHY, SCHINDLER TYPE. Identifiers: Orphanet 3137, Orphanet 79279, Orphanet 79281, MedGen C1836544, MONDO:0012221, OMIM 609241.

Allele frequency attached by ClinVar (database versions not stated): 1000 Genomes Project 0.02975; 1000 Genomes Project 30x 0.02983; TOPMed 0.05676; ExAC 0.05766; gnomAD 0.05770 and 0.05864; gnomAD exomes 0.05817; ESP Exome Variant Server 0.06489.

Submissions (6):

Labcorp Genetics (formerly Invitae), Labcorp
Classification: Benign for Alpha-N-acetylgalactosaminidase deficiency type 1. Last evaluated: 2026-02-04. Review status: criteria provided, single submitter. Criteria: Invitae Variant Classification Sherloc (09022015). Collection method: clinical testing. Allele origin: germline.

GeneDx
Classification: Benign. Last evaluated: 2018-06-13. Review status: criteria provided, single submitter. Criteria: GeneDx Variant Classification (06012015). Collection method: clinical testing. Allele origin: germline. Affected: yes.
Comment: This variant is considered likely benign or benign based on one or more of the following criteria: it is a conservative change, it occurs at a poorly conserved position in the protein, it is predicted to be benign by multiple in silico algorithms, and/or has population frequency not consistent with disease.

Illumina Laboratory Services, Illumina
Classification: Benign for Alpha-N-acetylgalactosaminidase deficiency type 1. Last evaluated: 2018-01-13. Review status: criteria provided, single submitter. Criteria: ICSL Variant Classification Criteria 13 December 2019. Collection method: clinical testing. Allele origin: germline.
Comment: This variant was observed in the ICSL laboratory as part of a predisposition screen in an ostensibly healthy population. It had not been previously curated by ICSL or reported in the Human Gene Mutation Database (HGMD: prior to June 1st, 2018), and was therefore a candidate for classification through an automated scoring system. Utilizing variant allele frequency, disease prevalence and penetrance estimates, and inheritance mode, an automated score was calculated to assess if this variant is too frequent to cause the disease. Based on the score and internal cut-off values, a variant classified as benign is not then subjected to further curation. The score for this variant resulted in a classification of benign for this disease.

Illumina Laboratory Services, Illumina
Classification: Benign for Alpha-N-acetylgalactosaminidase deficiency type 2. Last evaluated: 2018-01-13. Review status: criteria provided, single submitter. Criteria: ICSL Variant Classification Criteria 13 December 2019. Collection method: clinical testing. Allele origin: germline.
Comment: the same text as in the submission from Illumina Laboratory Services, Illumina above.

Breakthrough Genomics
Classification: Benign. Review status: criteria provided, single submitter. Criteria: ACMG Guidelines, 2015. Collection method: not provided. Allele origin: germline. Inheritance: Autosomal recessive inheritance. Affected: yes.

Mayo Clinic Laboratories, Mayo Clinic
Classification: Benign. Last evaluated: 2016-12-30. Review status: no assertion criteria provided. Collection method: clinical testing. Allele origin: unknown. Not counted in ClinVar's aggregate classification.

NM_000262.3(NAGA):c.957+4C>G

Gene: NAGA (alpha-N-acetylgalactosaminidase; minus strand). Cytogenetic location: 22q13.2.
Variant type: single nucleotide variant.
Coding change: c.957+4C>G on transcript NM_000262.3 (MANE Select); 4 bases into the intron after coding-DNA position 957, C replaced by G.
Molecular consequence: intron variant.
Genome position (GRCh38, 1-based): chr22:42,062,823, G>C on the plus strand (C>G on the coding strand, the complement: NAGA is on the minus strand). VCF-style: chr22-42062823-G-C. GRCh37 (hg19) VCF-style: chr22-42458827-G-C.
Other names: c.957+4C>G (NM_001362850.1, NM_001362848.1).
Identifiers: ClinVar variation 341906 (VCV000341906.19), dbSNP rs55715427, ClinGen allele CA10263648.